The following is an entry in ClinVar:

ClinVar aggregate classification (germline): Uncertain significance. Review status: criteria provided, multiple submitters, no conflicts (2 of 4 stars). 2 submissions from 2 submitters: Uncertain significance (2). Last evaluated 2024-10-17.

Conditions:
Primary ciliary dyskinesia 33. Also called: CILIARY DYSKINESIA, PRIMARY, 33, WITHOUT SITUS INVERSUS. Identifiers: Orphanet 244, MedGen C4225230, MONDO:0014750, OMIM 616726.
Inborn genetic diseases. Identifiers: MedGen C0950123, MeSH D030342.

Allele frequency attached by ClinVar (database versions not stated): TOPMed below 0.00001.
gnomAD v4.1: 5 of 1,608,006 alleles (0.00031%); highest among the groups gnomAD compares: Admixed American, 0.0034%; no homozygotes.

Submissions (2):

Labcorp Genetics (formerly Invitae), Labcorp
Classification: Uncertain significance for Primary ciliary dyskinesia 33. Last evaluated: 2024-10-17. Review status: criteria provided, single submitter. Criteria: Invitae Variant Classification Sherloc (09022015). Collection method: clinical testing. Allele origin: germline.
Comment: This sequence change replaces arginine, which is basic and polar, with tryptophan, which is neutral and slightly polar, at codon 78 of the GAS8 protein (p.Arg78Trp). The frequency data for this variant in the population databases is considered unreliable, as metrics indicate poor data quality at this position in the gnomAD database. This variant has not been reported in the literature in individuals affected with GAS8-related conditions. ClinVar contains an entry for this variant (Variation ID: 2411188). Invitae Evidence Modeling of protein sequence and biophysical properties (such as structural, functional, and spatial information, amino acid conservation, physicochemical variation, residue mobility, and thermodynamic stability) indicates that this missense variant is expected to disrupt GAS8 protein function with a positive predictive value of 80%. In summary, the available evidence is currently insufficient to determine the role of this variant in disease. Therefore, it has been classified as a Variant of Uncertain Significance.

Ambry Genetics
Classification: Uncertain significance for Inborn genetic diseases. Last evaluated: 2022-03-29. Review status: criteria provided, single submitter. Criteria: Ambry Variant Classification Scheme 2023. Collection method: clinical testing. Allele origin: germline.

NM_001481.3(DRC4):c.232C>T (p.Arg78Trp)

Gene: DRC4 (dynein regulatory complex subunit 4; plus strand). Cytogenetic location: 16q24.3.
Variant type: single nucleotide variant.
Coding change: c.232C>T on transcript NM_001481.3 (MANE Select); coding-DNA position 232, C replaced by T.
Protein change: p.Arg78Trp; replaces arginine 78 with tryptophan.
Molecular consequence: missense variant. On other transcripts: 5 prime UTR variant (2).
Genome position (GRCh38, 1-based): chr16:90,031,440, C>T. VCF-style: chr16-90031440-C-T. GRCh37 (hg19) VCF-style: chr16-90097848-C-T.
Other names: c.-18C>T (NM_001286205.2); c.-290C>T (NM_001286208.2); c.157C>T, p.Arg53Trp (NM_001286209.2); short protein forms R53W, R78W.
Identifiers: ClinVar variation 2411188 (VCV002411188.4), dbSNP rs768149188, ClinGen allele CA397461124.